The following is an entry in ClinVar:

NM_000138.5(FBN1):c.6113G>C (p.Cys2038Ser)

Gene: FBN1 (fibrillin 1; minus strand). Cytogenetic location: 15q21.1.
Variant type: single nucleotide variant.
Coding change: c.6113G>C on transcript NM_000138.5 (MANE Select); coding-DNA position 6113, G replaced by C.
Protein change: p.Cys2038Ser; replaces cysteine 2038 with serine.
Molecular consequence: missense variant.
Genome position (GRCh38, 1-based): chr15:48,441,771, C>G on the plus strand (G>C on the coding strand, the complement: FBN1 is on the minus strand). VCF-style: chr15-48441771-C-G. GRCh37 (hg19) VCF-style: chr15-48733968-C-G.
Other names: short protein forms C2038S.
Identifiers: ClinVar variation 810672 (VCV000810672.3), dbSNP rs363804, ClinGen allele CA392338198.

ClinVar aggregate classification (germline): Likely pathogenic (1 of 4 stars; one submission).

Conditions:
Marfan syndrome (MFS). Also called: FBN1-Related Marfan Syndrome; Marfan's syndrome; MARFAN SYNDROME, TYPE I; Marfan syndrome type 1; Marfan syndrome, classic. Identifiers: Orphanet 284963, Orphanet 558, MedGen C0024796, MONDO:0007947, OMIM 154700.

Submission:

Foundation for Research in Genetics and Endocrinology, FRIGE's Institute of Human Genetics
Classification: Likely pathogenic for Marfan syndrome. Last evaluated: 2019-12-06. Review status: criteria provided, single submitter. Criteria: ACMG Guidelines, 2015. Collection method: clinical testing. Allele origin: de novo. Inheritance: Autosomal dominant inheritance. Affected: yes. Observed: 1 heterozygote.
Comment: A heterozygous missense variation in exon 50 of the FBN1 gene that results in the aminoacid substitution of Serine for Cysteine at codon 2038 was detected. The observed variant lies in the calcium-binding EGF domain of the FBN1 protein and a different amino acid substitution affecting the same codon (p.Cys2038Tyr) has previously been reported in patients affected with Marfan syndrome (Rommel et al., 2005). The observed variant c.6113 G>C has not been reported in the 1000 genomes and ExAC databases. The in silico prediction of the variant are possibly damaging by PolyPhen-2 (HumDiv) and damaging by LRT and MutationTaster2. The reference codon is conserved across species. In summary, the Cys2038Tyr variant meets our criteria to be classified as a likely pathogenic.